The following is an entry in ClinVar:

ClinVar aggregate classification (germline): Likely benign. Review status: criteria provided, multiple submitters, no conflicts (2 of 4 stars). 3 submissions from 3 submitters: Likely benign (2). 1 of the submissions does not count toward it. Last evaluated 2025-12-15.

Conditions:
PLEKHG2-related disorder. Also called: PLEKHG2-related condition.

Allele frequency attached by ClinVar (database versions not stated): ESP Exome Variant Server 0.00016; TOPMed 0.00026; gnomAD exomes 0.00036 and 0.00044; ExAC 0.00064; gnomAD 0.00064 and 0.00068.
gnomAD v4.1: 620 of 1,597,202 alleles (0.039%); highest among the groups gnomAD compares: Non-Finnish European, 0.035%; 1 homozygote.

Submissions (3):

Labcorp Genetics (formerly Invitae), Labcorp
Classification: Likely benign. Last evaluated: 2025-12-15. Review status: criteria provided, single submitter. Criteria: Invitae Variant Classification Sherloc (09022015). Collection method: clinical testing. Allele origin: germline.

Breakthrough Genomics
Classification: Likely benign. Review status: criteria provided, single submitter. Criteria: ACMG Guidelines, 2015. Collection method: not provided. Allele origin: germline. Inheritance: Autosomal recessive inheritance. Affected: yes.

PreventionGenetics, part of Exact Sciences
Classification: Likely benign for PLEKHG2-related condition. Last evaluated: 2022-10-24. Review status: no assertion criteria provided. Collection method: clinical testing. Allele origin: germline. Not counted in ClinVar's aggregate classification.
Comment: This variant is classified as likely benign based on ACMG/AMP sequence variant interpretation guidelines (Richards et al. 2015 PMID: 25741868, with internal and published modifications).

NM_022835.3(PLEKHG2):c.128T>C (p.Met43Thr)

Gene: PLEKHG2 (pleckstrin homology and RhoGEF domain containing G2; plus strand). Cytogenetic location: 19q13.2.
Variant type: single nucleotide variant.
Coding change: c.128T>C on transcript NM_022835.3 (MANE Select); coding-DNA position 128, T replaced by C.
Protein change: p.Met43Thr; replaces methionine 43 with threonine.
Molecular consequence: missense variant. On other transcripts: intron variant (1).
Genome position (GRCh38, 1-based): chr19:39,415,010, T>C. VCF-style: chr19-39415010-T-C. GRCh37 (hg19) VCF-style: chr19-39905650-T-C.
Other names: c.128T>C, p.Met43Thr (NM_001351694.2); c.110-159T>C (NM_001351693.2); short protein forms M43T.
Identifiers: ClinVar variation 722867 (VCV000722867.12), dbSNP rs45441295, ClinGen allele CA9428992.